The following is an entry in ClinVar:

NM_014795.4(ZEB2):c.331+1G>T

Gene: ZEB2 (zinc finger E-box binding homeobox 2; minus strand). Cytogenetic location: 2q22.3.
Variant type: single nucleotide variant.
Coding change: c.331+1G>T on transcript NM_014795.4 (MANE Select); the canonical splice donor site of the intron after coding-DNA position 331, G replaced by T.
Molecular consequence: splice donor variant.
Genome position (GRCh38, 1-based): chr2:144,429,768, C>A on the plus strand (G>T on the coding strand, the complement: ZEB2 is on the minus strand). VCF-style: chr2-144429768-C-A. GRCh37 (hg19) VCF-style: chr2-145187335-C-A.
Other names: c.331+1G>T (NM_001171653.2).
Identifiers: ClinVar variation 975784 (VCV000975784.2), dbSNP rs1703742764, ClinGen allele CA348718506.

ClinVar aggregate classification (germline): Pathogenic. Review status: criteria provided, single submitter (1 of 4 stars). 2 submissions from 2 submitters: Pathogenic (1). 1 of the submissions does not count toward it. Last evaluated 2018-03-15.

Conditions:
Mowat-Wilson syndrome (MOWS). Also called: Classic Mowat-Wilson Syndrome. Identifiers: Orphanet 2152, MedGen C1856113, MONDO:0009341, OMIM 235730.

Submissions (2):

Baylor Genetics
Classification: Pathogenic for Mowat-Wilson syndrome. Last evaluated: 2018-03-15. Review status: criteria provided, single submitter. Criteria: ACMG Guidelines, 2015. Collection method: clinical testing. Allele origin: unknown. Affected: yes.
Comment: This variant was determined to be pathogenic according to ACMG Guidelines, 2015 [PMID:25741868].

Centre de Biologie Pathologie Génétique, Centre Hospitalier Universitaire de Lille
Classification: Pathogenic for Mowat-Wilson syndrome. Last evaluated: 2019-01-01. Review status: no assertion criteria provided. Collection method: clinical testing. Allele origin: de novo. Affected: yes. Not counted in ClinVar's aggregate classification.